The following is an entry in ClinVar:

ClinVar aggregate classification (germline): Uncertain significance (1 of 4 stars; one submission).

Conditions:
KIDINS220-related disorder. Also called: KIDINS220-related condition.

Allele frequency attached by ClinVar (database versions not stated): ExAC 0.00002; TOPMed 0.00002; gnomAD 0.00004.
gnomAD v4.1: 22 of 1,614,120 alleles (0.0014%); highest among the groups gnomAD compares: Non-Finnish European, 0.00085%; no homozygotes.

Submission:

PreventionGenetics, part of Exact Sciences
Classification: Uncertain significance for KIDINS220-related condition. Last evaluated: 2026-06-22. Review status: criteria provided, single submitter. Criteria: ACMG Guidelines, 2015. Collection method: clinical testing. Allele origin: germline.
Comment: The KIDINS220 c.4970G>A variant is predicted to result in the amino acid substitution p.Ser1657Asn. To our knowledge, this variant has not been reported in the literature. This variant is reported in 0.012% of alleles in individuals of European (Finnish) descent in gnomAD. At this time, the clinical significance of this variant is uncertain due to the absence of conclusive functional and genetic evidence.

NM_020738.4(KIDINS220):c.4970G>A (p.Ser1657Asn)

Gene: KIDINS220 (kinase D interacting substrate 220; minus strand). Cytogenetic location: 2p25.1.
Variant type: single nucleotide variant.
Coding change: c.4970G>A on transcript NM_020738.4 (MANE Select); coding-DNA position 4970, G replaced by A.
Protein change: p.Ser1657Asn; replaces serine 1657 with asparagine.
Molecular consequence: missense variant. On other transcripts: intron variant (6).
Genome position (GRCh38, 1-based): chr2:8,731,066, C>T on the plus strand (G>A on the coding strand, the complement: KIDINS220 is on the minus strand). VCF-style: chr2-8731066-C-T. GRCh37 (hg19) VCF-style: chr2-8871196-C-T.
Other names: c.4973G>A, p.Ser1658Asn (NM_001348729.2); c.4916G>A, p.Ser1639Asn (NM_001348731.2); c.4913G>A, p.Ser1638Asn (NM_001348732.2); c.4802G>A, p.Ser1601Asn (NM_001348734.2); c.4799G>A, p.Ser1600Asn (NM_001348735.2); c.4673G>A, p.Ser1558Asn (NM_001348736.2); c.3882+2378G>A (NM_001348741.2, NM_001348742.2, NM_001348743.2); c.3996+2378G>A (NM_001348738.2); and 1 more; short protein forms S1558N, S1600N, S1601N, S1638N, S1639N, S1657N, S1658N.
Identifiers: ClinVar variation 2634392 (VCV002634392.3), dbSNP rs199738000, ClinGen allele CA1519274.
Genomic context (GRCh38, chr2:8,731,066, plus strand): 5'-TTCAGGTTGTAGGCTTTCTGGCATGCAGGCCAGTTTTCTTCAGGGCTGCTGGCTATCAAG[C>T]TGCATTCGGAAGGGCTTTTCTTGTCTTCTGAACAAATGGACATCCGAGCTATAATTGGAT-3'
Protein context (NP_065789.1, residues 1647-1667): SEDKKSPSEC[Ser1657Asn]LIASSPEENW